The following is an entry in ClinVar:

NM_003849.4(SUCLG1):c.389A>G (p.Asn130Ser)

Gene: SUCLG1 (succinate-CoA ligase GDP/ADP-forming subunit alpha; minus strand). Cytogenetic location: 2p11.2.
Variant type: single nucleotide variant.
Coding change: c.389A>G on transcript NM_003849.4 (MANE Select); coding-DNA position 389, A replaced by G.
Protein change: p.Asn130Ser; replaces asparagine 130 with serine.
Molecular consequence: missense variant.
Genome position (GRCh38, 1-based): chr2:84,441,389, T>C on the plus strand (A>G on the coding strand, the complement: SUCLG1 is on the minus strand). VCF-style: chr2-84441389-T-C. GRCh37 (hg19) VCF-style: chr2-84668513-T-C.
Other names: short protein forms N130S.
Identifiers: ClinVar variation 1955047 (VCV001955047.3), dbSNP rs1672770848, ClinGen allele CA347515852.

ClinVar aggregate classification (germline): Uncertain significance (1 of 4 stars; one submission).

Conditions:
Mitochondrial DNA depletion syndrome 9 (MTDPS9). Also called: SUCLG1-Related Mitochondrial DNA Depletion Syndrome, Encephalomyopathic Form with Methylmalonic Aciduria. Identifiers: Orphanet 17, MedGen C3151476, MONDO:0009504, OMIM 245400.

Allele frequency attached by ClinVar (database versions not stated): TOPMed below 0.00001; gnomAD 0.00001.
gnomAD v4.1: 1 of 1,614,080 alleles (0.000062%); highest among the groups gnomAD compares: Admixed American, 0.0017%; no homozygotes.

Submission:

Labcorp Genetics (formerly Invitae), Labcorp
Classification: Uncertain significance for Mitochondrial DNA depletion syndrome 9. Last evaluated: 2024-01-15. Review status: criteria provided, single submitter. Criteria: Invitae Variant Classification Sherloc (09022015). Collection method: clinical testing. Allele origin: germline.
Comment: This sequence change replaces asparagine, which is neutral and polar, with serine, which is neutral and polar, at codon 130 of the SUCLG1 protein (p.Asn130Ser). This variant is not present in population databases (gnomAD no frequency). This variant has not been reported in the literature in individuals affected with SUCLG1-related conditions. ClinVar contains an entry for this variant (Variation ID: 1955047). Algorithms developed to predict the effect of missense changes on protein structure and function output the following: SIFT: "Not Available"; PolyPhen-2: "Benign"; Align-GVGD: "Not Available". The serine amino acid residue is found in multiple mammalian species, which suggests that this missense change does not adversely affect protein function. In summary, the available evidence is currently insufficient to determine the role of this variant in disease. Therefore, it has been classified as a Variant of Uncertain Significance.